The following is an entry in ClinVar:

NC_000009.11:g.(?_133355083)_(133355856_?)del

Gene: ASS1 (argininosuccinate synthase 1; plus strand). Cytogenetic location: 9q34.11.
Variant type: Deletion.
Identifiers: ClinVar variation 3245091 (VCV003245091.1).

ClinVar aggregate classification (germline): Pathogenic (1 of 4 stars; one submission).

Conditions:
Citrullinemia. Identifiers: Orphanet 187, MedGen C0175683, MONDO:0015991.

Submission:

Labcorp Genetics (formerly Invitae), Labcorp
Classification: Pathogenic for Citrullinemia. Last evaluated: 2023-12-21. Review status: criteria provided, single submitter. Criteria: Invitae Variant Classification Sherloc (09022015). Collection method: clinical testing. Allele origin: unknown.
Comment: This variant is a gross deletion of the genomic region encompassing exon(s) 11-12 of the ASS1 gene. This variant would be expected to be in-frame, preserving the integrity of the reading frame. A similar copy number variant has been observed in individual(s) with citrullinemia type 1 (PMID: 19006241, 22494545). This variant disrupts a region of the ASS1 protein in which other variant(s) (p.Val263Met) have been determined to be pathogenic (PMID: 14680976, 18473344, 18925679, 21244552, 23780642). This suggests that this is a clinically significant region of the protein, and that variants that disrupt it are likely to be disease-causing. For these reasons, this variant has been classified as Pathogenic.

Literature cited by the submitters: PubMed 19006241; PubMed 22494545; PubMed 14680976; PubMed 18473344; PubMed 18925679; PubMed 21244552; PubMed 23780642.